The following is an entry in ClinVar:

NM_020964.3(EPG5):c.5022_5023insTTTTTTTTTTTTTTTTTTTTNNNNNNNNNNACCTCATGATCCACCCGCCTCGGCCTCCCAAAGTGCTGGGATTACAGGCGTGAGCCACCGCGCCCGGCCTAGCCTTTTCTTT (p.Thr1675delinsPhePhePhePhePhePheXaaXaaXaaXaaThrSerTer)

Gene: EPG5 (ectopic P-granules 5 autophagy tethering factor; minus strand). Cytogenetic location: 18q12.3.
Variant type: Insertion.
Coding change: c.5022_5023insTTTTTTTTTTTTTTTTTTTTNNNNNNNNNNACCTCATGATCCACCCGCCTCGGCCTCCCAAAGTGCTGGGATTACAGGCGTGAGCCACCGCGCCCGGCCTAGCCTTTTCTTT on transcript NM_020964.3 (MANE Select); coding-DNA positions 5022 to 5023, TTTTTTTTTTTTTTTTTTTTNNNNNNNNNNACCTCATGATCCACCCGCCTCGGCCTCCCAAAGTGCTGGGATTACAGGCGTGAGCCACCGCGCCCGGCCTAGCCTTTTCTTT inserted.
Protein change: p.Thr1675delinsPhePhePhePhePhePheXaaXaaXaaXaaThrSerTer.
Molecular consequence: nonsense.
Genome position: GRCh38: chr18:45,887,850-45,887,851. GRCh37 (hg19): chr18:43,467,815-43,467,816.
Identifiers: ClinVar variation 1423367 (VCV001423367.7), dbSNP rs2145474267.

ClinVar aggregate classification (germline): Pathogenic (1 of 4 stars; one submission).

Conditions:
Vici syndrome (VICIS). Identifiers: Orphanet 1493, MedGen C1855772, MONDO:0009452, OMIM 242840.

Submission:

Labcorp Genetics (formerly Invitae), Labcorp
Classification: Pathogenic for Vici syndrome. Last evaluated: 2023-10-19. Review status: criteria provided, single submitter. Criteria: Invitae Variant Classification Sherloc (09022015). Collection method: clinical testing. Allele origin: germline.
Comment: This sequence change inserts a large fragment of DNA, likely a transposable element, in exon 29 of the EPG5 gene (c.5022_5023ins?), causing a frameshift at codon 1675 (p.Thr1675fs). The exact size and sequence of the insertion cannot be determined by the current assay. However, the insertion is expected to result in an absent or disrupted protein product. This variant is not present in population databases (gnomAD no frequency). This variant has not been reported in the literature in individuals affected with EPG5-related conditions. Retrotransposon insertions including LINE1 (L1), Alu, and SVA (SINE-VNTR-Alu) have been reported to be disease-causing through disruption of either a coding region or splice site (PMID: 19763152, 20307669, 22406018) and loss-of-function variants in EPG5 are known to be pathogenic (PMID: 23222957, 23674064). For these reasons, this variant has been classified as Pathogenic.

Literature cited by the submitters: PubMed 19763152; PubMed 20307669; PubMed 22406018; PubMed 23222957; PubMed 23674064.